The following is an entry in ClinVar:

NM_000540.3(RYR1):c.13603G>A (p.Glu4535Lys)

Gene: RYR1 (ryanodine receptor 1; plus strand). Cytogenetic location: 19q13.2.
Variant type: single nucleotide variant.
Coding change: c.13603G>A on transcript NM_000540.3 (MANE Select); coding-DNA position 13603, G replaced by A.
Protein change: p.Glu4535Lys; replaces glutamic acid 4535 with lysine.
Molecular consequence: missense variant.
Genome position (GRCh38, 1-based): chr19:38,567,861, G>A. VCF-style: chr19-38567861-G-A. GRCh37 (hg19) VCF-style: chr19-39058501-G-A.
Other names: c.13588G>A, p.Glu4530Lys (NM_001042723.2); short protein forms E4535K, E4530K.
Identifiers: ClinVar variation 81137 (VCV000081137.12), dbSNP rs141444745, ClinGen allele CA060215.
Genomic context (GRCh38, chr19:38,567,861, plus strand): 5'-CCCGAGCCCACACCAGAGCCCCCCAAGAAGCAAGCACCTCCCTCACCCCCTCCAAAGAAG[G>A]AGGAAGCTGGAGGCGAATTCTGGGGAGAACTGGAGGTGCAGAGGGTGAAGTTCCTGGTAA-3'
Protein context (NP_000531.2, residues 4525-4545): QAPPSPPPKK[Glu4535Lys]EAGGEFWGEL

ClinVar aggregate classification (germline): Uncertain significance. Review status: criteria provided, multiple submitters, no conflicts (2 of 4 stars). 4 submissions from 4 submitters: Uncertain significance (3). 1 of the submissions does not count toward it. Last evaluated 2025-10-21.

Conditions:
RYR1-related disorder. Also called: RYR1-related disorders; RYR1-related condition. Identifiers: MedGen CN239331.
Malignant hyperthermia, susceptibility to, 1 (MHS1). Also called: Anesthesia related hyperthermia; Malignant hyperpyrexia; Fulminating hyperpyrexia; Pharmacogenic myopathy; RYR1-Related Malignant Hyperthermia Susceptibility; Malignant hyperthermia suceptibility 1. Identifiers: Orphanet 423, MedGen C2930980, MONDO:0007783, OMIM 145600.

Allele frequency attached by ClinVar (database versions not stated): gnomAD exomes below 0.00001 and 0.00001; ExAC 0.00002; gnomAD 0.00006 and 0.00007; ESP Exome Variant Server 0.00008; TOPMed 0.00010.
gnomAD v4.1: 17 of 1,613,916 alleles (0.0011%); highest among the groups gnomAD compares: African/African-American, 0.02%; no homozygotes.

Submissions (4):

Color Diagnostics, LLC DBA Color Health
Classification: Uncertain significance for Malignant hyperthermia, susceptibility to, 1. Last evaluated: 2025-10-21. Review status: criteria provided, single submitter. Criteria: ACMG Guidelines, 2015. Collection method: clinical testing. Allele origin: germline.
Comment: This missense variant replaces glutamic acid with lysine at codon 4535 of the RYR1 protein. Computational prediction suggests that this variant may not impact protein structure and function. To our knowledge, functional studies have not been reported for this variant. This variant has not been reported in individuals affected with RYR1-related disorders in the literature. This variant has been identified in 3/280410 chromosomes in the general population by the Genome Aggregation Database (gnomAD). The available evidence is insufficient to determine the role of this variant in disease conclusively. Therefore, this variant is classified as a Variant of Uncertain Significance.

Labcorp Genetics (formerly Invitae), Labcorp
Classification: Uncertain significance for RYR1-related disorder. Last evaluated: 2024-12-09. Review status: criteria provided, single submitter. Criteria: Invitae Variant Classification Sherloc (09022015). Collection method: clinical testing. Allele origin: germline.
Comment: This sequence change replaces glutamic acid, which is acidic and polar, with lysine, which is basic and polar, at codon 4535 of the RYR1 protein (p.Glu4535Lys). This variant is present in population databases (rs141444745, gnomAD 0.01%). This missense change has been observed in individual(s) with RYR1-related conditions (PMID: 32236737). ClinVar contains an entry for this variant (Variation ID: 81137). Invitae Evidence Modeling of protein sequence and biophysical properties (such as structural, functional, and spatial information, amino acid conservation, physicochemical variation, residue mobility, and thermodynamic stability) indicates that this missense variant is not expected to disrupt RYR1 protein function with a negative predictive value of 80%. In summary, the available evidence is currently insufficient to determine the role of this variant in disease. Therefore, it has been classified as a Variant of Uncertain Significance.

All of Us Research Program, National Institutes of Health
Classification: Uncertain significance for Malignant hyperthermia, susceptibility to, 1. Last evaluated: 2023-10-30. Review status: criteria provided, single submitter. Criteria: ACMG Guidelines, 2015. Collection method: clinical testing. Allele origin: germline. Inheritance: Autosomal dominant inheritance. Observed: 2 variant alleles, 2 heterozygotes.
Comment: This missense variant replaces glutamic acid with lysine at codon 4535 of the RYR1 protein. Computational prediction suggests that this variant may not impact protein structure and function (internally defined REVEL score threshold <= 0.5, PMID: 27666373). To our knowledge, functional studies have not been reported for this variant. This variant has not been reported in individuals affected with RYR1-related disorders in the literature. This variant has been identified in 3/280410 chromosomes in the general population by the Genome Aggregation Database (gnomAD). The available evidence is insufficient to determine the role of this variant in disease conclusively. Therefore, this variant is classified as a Variant of Uncertain Significance.

This study involves interpretation of variants in research participants for the purpose of population health screening. Participant phenotype was not available at the time of variant classification. Additional details can be found in publication PMID: 35346344, PMCID: PMC8962531

PreventionGenetics, part of Exact Sciences
Classification: Uncertain significance for RYR1-related condition. Last evaluated: 2023-12-14. Review status: no assertion criteria provided. Collection method: clinical testing. Allele origin: germline. Not counted in ClinVar's aggregate classification.
Comment: The RYR1 c.13603G>A variant is predicted to result in the amino acid substitution p.Glu4535Lys. To our knowledge, this variant has not been reported in the literature. This variant is reported in 0.012% of alleles in individuals of African descent in gnomAD. At this time, the clinical significance of this variant is uncertain due to the absence of conclusive functional and genetic evidence.

Literature cited by the submitters: PubMed 32236737 (cited by Labcorp Genetics (formerly Invitae), Labcorp).